The following is an entry in ClinVar:

ClinVar aggregate classification (germline): Conflicting classifications of pathogenicity. Review status: criteria provided, conflicting classifications (1 of 4 stars). 4 submissions from 4 submitters: Uncertain significance (1); Benign (2); Likely benign (1). Last evaluated 2026-02-02.

Conditions:
Vitamin D-dependent rickets type II with alopecia (VDDR2A). Also called: GENERALIZED RESISTANCE TO 1,25-DIHYDROXYVITAMIN D; HYPOCALCEMIC VITAMIN D-RESISTANT RICKETS; PDDR IIA; PSEUDOVITAMIN D-DEFICIENCY, TYPE IIA; RICKETS, HEREDITARY VITAMIN D-RESISTANT; RICKETS-ALOPECIA SYNDROME. Identifiers: Orphanet 93160, MedGen C0342646, MONDO:0010186, OMIM 277440.

Allele frequency attached by ClinVar (database versions not stated): TOPMed 0.00144; ESP Exome Variant Server 0.00146; gnomAD exomes 0.00154 and 0.00214; gnomAD 0.00165 and 0.00170; ExAC 0.00182; 1000 Genomes Project 0.00220; 1000 Genomes Project 30x 0.00234.

Submissions (4):

Labcorp Genetics (formerly Invitae), Labcorp
Classification: Benign. Last evaluated: 2026-02-02. Review status: criteria provided, single submitter. Criteria: Invitae Variant Classification Sherloc (09022015). Collection method: clinical testing. Allele origin: germline.

Blueprint Genetics
Classification: Likely benign. Last evaluated: 2024-11-20. Review status: criteria provided, single submitter. Criteria: ACMG Guidelines, 2015. Collection method: clinical testing. Allele origin: germline.

Women's Health and Genetics/Laboratory Corporation of America, LabCorp
Classification: Benign. Last evaluated: 2024-08-09. Review status: criteria provided, single submitter. Criteria: LabCorp Variant Classification Summary - May 2015. Collection method: clinical testing. Allele origin: germline.
Comment: Variant summary: VDR c.908-14A>G alters a non-conserved nucleotide located at a position not widely known to affect splicing. Consensus agreement among computation tools predict no significant impact on normal splicing. However, these predictions have yet to be confirmed by functional studies. The variant allele was found at a frequency of 0.0021 in 1554912 control chromosomes in the gnomAD database (v4.1 dataset), including 10 homozygotes. To our knowledge, no occurrence of c.908-14A>G in individuals affected with Vitamin D-Dependent Rickets Type II With Alopecia and no experimental evidence demonstrating its impact on protein function have been reported. ClinVar contains an entry for this variant (Variation ID: 308881). Based on the evidence outlined above, the variant was classified as benign.

Illumina Laboratory Services, Illumina
Classification: Uncertain significance for Vitamin D-dependent rickets type II with alopecia. Last evaluated: 2018-01-13. Review status: criteria provided, single submitter. Criteria: ICSL Variant Classification Criteria 13 December 2019. Collection method: clinical testing. Allele origin: germline.

NM_000376.3(VDR):c.908-14A>G

Gene: VDR (vitamin D receptor; minus strand). Cytogenetic location: 12q13.11.
Variant type: single nucleotide variant.
Coding change: c.908-14A>G on transcript NM_000376.3 (MANE Select); 14 bases into the intron before coding-DNA position 908, A replaced by G.
Molecular consequence: intron variant.
Genome position (GRCh38, 1-based): chr12:47,846,465, T>C on the plus strand (A>G on the coding strand, the complement: VDR is on the minus strand). VCF-style: chr12-47846465-T-C. GRCh37 (hg19) VCF-style: chr12-48240248-T-C.
Other names: c.908-14A>G (NM_001374662.1, NM_001364085.2, NM_001017535.2 and 1 more transcripts); c.1058-14A>G (NM_001017536.2).
Identifiers: ClinVar variation 308881 (VCV000308881.15), dbSNP rs11574107, ClinGen allele CA6533816.
Genomic context (GRCh38, chr12:47,846,465, plus strand): 5'-CACCTGGAACTTGATGAGGGGCTCAATCAGCTCCAGGCTGTGTCCGGCTGTGAGAGACAA[T>C]GGCCAGGTACTGCGGGCAGAGCTGAGGAGCCGCCCACCCACCTCCAACCCCATGGGTCTG-3'